The following is an entry in ClinVar:

NM_000051.4(ATM):c.6604T>C (p.Tyr2202His)

Genes: ATM (ATM serine/threonine kinase; plus strand), C11orf65 (chromosome 11 open reading frame 65; minus strand). Cytogenetic location: 11q22.3.
Variant type: single nucleotide variant.
Coding change: c.6604T>C on transcript NM_000051.4 (MANE Select); coding-DNA position 6604, T replaced by C.
Protein change: p.Tyr2202His; replaces tyrosine 2202 with histidine.
Molecular consequence: missense variant. On other transcripts: intron variant (2).
Genome position (GRCh38, 1-based): chr11:108,325,341, T>C. VCF-style: chr11-108325341-T-C. GRCh37 (hg19) VCF-style: chr11-108196068-T-C.
Other names: c.6604T>C, p.Tyr2202His (NM_001351834.2); c.641-16270A>G (NM_001330368.2); c.*38+9879A>G (NM_001351110.2); short protein forms Y2202H.
Identifiers: ClinVar variation 1058118 (VCV001058118.9), dbSNP rs730881311, ClinGen allele CA382554708.

ClinVar aggregate classification (germline): Uncertain significance (1 of 4 stars; one submission).

Conditions:
Ataxia-telangiectasia syndrome (AT). Also called: Ataxia telangiectasia (A-T); ATAXIA-TELANGIECTASIA, COMPLEMENTATION GROUP A; ATAXIA-TELANGIECTASIA, FRESNO VARIANT; Ataxia-telangiectasia; Ataxia-telangiectasia, complementation group E; LOUIS-BAR SYNDROME. Identifiers: Orphanet 100, MedGen C0004135, MONDO:0008840, OMIM 208900.

gnomAD v4.1: 1 of 1,610,768 alleles (0.000062%); highest among the groups gnomAD compares: Non-Finnish European, 0.000085%; no homozygotes.

Submission:

Labcorp Genetics (formerly Invitae), Labcorp
Classification: Uncertain significance for Ataxia-telangiectasia syndrome. Last evaluated: 2025-07-10. Review status: criteria provided, single submitter. Criteria: Invitae Variant Classification Sherloc (09022015). Collection method: clinical testing. Allele origin: germline.
Comment: This sequence change replaces tyrosine, which is neutral and polar, with histidine, which is basic and polar, at codon 2202 of the ATM protein (p.Tyr2202His). This variant is not present in population databases (gnomAD no frequency). This variant has not been reported in the literature in individuals affected with ATM-related conditions. ClinVar contains an entry for this variant (Variation ID: 1058118). Invitae Evidence Modeling of protein sequence and biophysical properties (such as structural, functional, and spatial information, amino acid conservation, physicochemical variation, residue mobility, and thermodynamic stability) indicates that this missense variant is not expected to disrupt ATM protein function with a negative predictive value of 95%. In summary, the available evidence is currently insufficient to determine the role of this variant in disease. Therefore, it has been classified as a Variant of Uncertain Significance.